The following is an entry in ClinVar:

ClinVar aggregate classification (germline): Conflicting classifications of pathogenicity. Review status: criteria provided, conflicting classifications (1 of 4 stars). 8 submissions from 8 submitters: Uncertain significance (7); Likely benign (1). Last evaluated 2026-04-01.

Conditions:
Primary familial hypertrophic cardiomyopathy (HCM). Identifiers: Orphanet 99739, MedGen C0949658, MeSH D024741, MONDO:0024573. Inheritance: Various modes of inheritance.
Dilated cardiomyopathy 1AA (CMD1AA). Also called: CARDIOMYOPATHY, DILATED, 1AA, WITH OR WITHOUT LEFT VENTRICULAR NONCOMPACTION; CARDIOMYOPATHY, FAMILIAL HYPERTROPHIC, 23, WITH OR WITHOUT LEFT VENTRICULAR NONCOMPACTION; Cardiomyopathy, dilated, 1AA, with or without LVNC. Identifiers: Orphanet 154, MedGen C2677338, MONDO:0012808, OMIM 612158.
Cardiomyopathy (CMYO). Also called: Cardiomyopathies. Identifiers: Orphanet 167848, MedGen C0878544, MONDO:0004994, HP:0001638. Inheritance: Various modes of inheritance.
Myopathy, distal, 6, adult-onset, autosomal dominant. Identifiers: MedGen C5203349, MONDO:0032853, OMIM 618655.
Myopathy, congenital, with structured cores and z-line abnormalities. Also called: CONGENITAL MYOPATHY 8; MULTIPLE STRUCTURED CORE DISEASE. Identifiers: MedGen C5231445, MONDO:0032852, OMIM 618654.
ACTN2-related disorder. Also called: ACTN2-related disorders; ACTN2 related condition.
Cardiovascular phenotype. Identifiers: MedGen CN230736.

Allele frequency attached by ClinVar (database versions not stated): TOPMed 0.00002.
gnomAD v4.1: 59 of 1,614,104 alleles (0.0037%); highest among the groups gnomAD compares: Non-Finnish European, 0.0047%; no homozygotes.

Submissions (8):

PreventionGenetics, part of Exact Sciences
Classification: Uncertain significance for ACTN2-related condition. Last evaluated: 2026-04-01. Review status: criteria provided, single submitter. Criteria: ACMG Guidelines, 2015. Collection method: clinical testing. Allele origin: germline.
Comment: The ACTN2 c.1748A>C variant is predicted to result in the amino acid substitution p.Glu583Ala. This variant has been reported in individuals with hypertrophic cardiomyopathy; however, an MYBPC3 variant was also detected in one of these individuals (Chiu et al. 2010. PubMed ID: 20022194; Supplemental Table 2, Burns et al. 2017. PubMed ID: 28790153; S2 Table, Mademont-Soler et al. 2017. PubMed ID: 28771489). This variant is reported in 0.0044% of alleles in individuals of European (non-Finnish) descent in gnomAD and has conflicting interpretations regarding its pathogenicity in ClinVar, ranging from likely benign to uncertain (Variation ID: 810757). At this time, the clinical significance of this variant is uncertain due to the absence of conclusive functional and genetic evidence.

Labcorp Genetics (formerly Invitae), Labcorp
Classification: Likely benign for Primary familial hypertrophic cardiomyopathy; Dilated cardiomyopathy 1AA. Last evaluated: 2026-01-19. Review status: criteria provided, single submitter. Criteria: Invitae Variant Classification Sherloc (09022015). Collection method: clinical testing. Allele origin: germline.

Blueprint Genetics
Classification: Uncertain significance. Last evaluated: 2024-06-28. Review status: criteria provided, single submitter. Criteria: ACMG Guidelines, 2015. Collection method: clinical testing. Allele origin: germline.

GeneDx
Classification: Uncertain significance. Last evaluated: 2024-06-12. Review status: criteria provided, single submitter. Criteria: GeneDx Variant Classification Process June 2021. Collection method: clinical testing. Allele origin: germline. Affected: yes.
Comment: Identified in a patient with hypertrophic cardiomyopathy (HCM) (PMID: 20022194); In silico analysis indicates that this missense variant does not alter protein structure/function; This variant is associated with the following publications: (PMID: 28790153, 20022194)

Ambry Genetics
Classification: Uncertain significance for Cardiovascular phenotype. Last evaluated: 2023-11-20. Review status: criteria provided, single submitter. Criteria: Ambry Variant Classification Scheme 2023. Collection method: clinical testing. Allele origin: germline.
Comment: The p.E583A variant (also known as c.1748A>C), located in coding exon 15 of the ACTN2 gene, results from an A to C substitution at nucleotide position 1748. The glutamic acid at codon 583 is replaced by alanine, an amino acid with dissimilar properties. This variant has been reported in an individual with familial hypertrophic cardiomyopathy (HCM); however, genetic testing results were not available for additional affected family members (Chiu C et al. J. Am. Coll. Cardiol., 2010 Mar;55:1127-35; Burns C et al. Circ Cardiovasc Genet, 2017 Aug;10:[Epub ahead of print]). This variant has been reported in another individual with HCM; however, a co-occurring MYBPC3 variant was also detected (Mademont-Soler I et al. PLoS One, 2017 Aug;12:e0181465). This amino acid position is not well conserved in available vertebrate species. In addition, the in silico prediction for this alteration is inconclusive. Since supporting evidence is limited at this time, the clinical significance of this alteration remains unclear.

Fulgent Genetics
Classification: Uncertain significance for Dilated cardiomyopathy 1AA; Myopathy, congenital, with structured cores and z-line abnormalities; Myopathy, distal, 6, adult-onset, autosomal dominant. Last evaluated: 2021-08-20. Review status: criteria provided, single submitter. Criteria: ACMG Guidelines, 2015. Collection method: clinical testing. Allele origin: unknown.

CHEO Genetics Diagnostic Laboratory, Children's Hospital of Eastern Ontario
Classification: Uncertain significance for Cardiomyopathy. Last evaluated: 2020-08-06. Review status: criteria provided, single submitter. Criteria: ACMG Guidelines, 2015. Collection method: clinical testing. Allele origin: germline.

Agnes Ginges Centre for Molecular Cardiology, Centenary Institute
Classification: Uncertain significance for Dilated cardiomyopathy 1AA. Last evaluated: 2018-10-15. Review status: criteria provided, single submitter. Criteria: ACMG Guidelines, 2015. Collection method: research. Allele origin: germline. Inheritance: Autosomal dominant inheritance. Affected: yes.
Comment: The ACTN2 Glu583Ala variant is found in the Genome Aggregation Database (MAF= 0.00002). Computational tools SIFT and MutationTaster, predict this variant to have a deleterious effect, however SIFT predicts this variant to be "benign". In summary, based on limited current literature and familial data, we classify ACTN2 Glu583Ala as a variant of "uncertain significance".

Literature cited by the submitters: PubMed 20022194 (cited by Ambry Genetics and Agnes Ginges Centre for Molecular Cardiology, Centenary Institute); PubMed 28771489 (cited by Ambry Genetics); PubMed 28790153 (cited by Ambry Genetics).

NM_001103.4(ACTN2):c.1748A>C (p.Glu583Ala)

Gene: ACTN2 (actinin alpha 2; plus strand). Cytogenetic location: 1q43.
Variant type: single nucleotide variant.
Coding change: c.1748A>C on transcript NM_001103.4 (MANE Select); coding-DNA position 1748, A replaced by C.
Protein change: p.Glu583Ala; replaces glutamic acid 583 with alanine.
Molecular consequence: missense variant.
Genome position (GRCh38, 1-based): chr1:236,751,561, A>C. VCF-style: chr1-236751561-A-C. GRCh37 (hg19) VCF-style: chr1-236914861-A-C.
Other names: c.1748A>C, p.Glu583Ala (NM_001278343.2); c.1124A>C, p.Glu375Ala (NM_001278344.2); c.1748A>C (NM_001103.2); short protein forms E375A, E583A.
Identifiers: ClinVar variation 810757 (VCV000810757.17), dbSNP rs200631005, ClinGen allele CA1473243.